The following is an entry in ClinVar:

ClinVar aggregate classification (germline): Conflicting classifications of pathogenicity. Review status: criteria provided, conflicting classifications (1 of 4 stars). 3 submissions from 3 submitters: Uncertain significance (2); Likely benign (1). Last evaluated 2026-07-01.

Conditions:
Inborn genetic diseases. Identifiers: MedGen C0950123, MeSH D030342.

Allele frequency attached by ClinVar (database versions not stated): gnomAD 0.00001; TOPMed 0.00001; ExAC 0.00002.
gnomAD v4.1: 11 of 1,613,840 alleles (0.00068%); highest among the groups gnomAD compares: Middle Eastern, 0.016%; no homozygotes.

Submissions (3):

CeGaT Center for Human Genetics Tuebingen
Classification: Likely benign. Last evaluated: 2026-07-01. Review status: criteria provided, single submitter. Criteria: CeGaT Center For Human Genetics Tuebingen Variant Classification Criteria Version 2. Collection method: clinical testing. Allele origin: germline. Affected: yes. Observed: 1 variant allele.
Comment: CHD4: BS2

Labcorp Genetics (formerly Invitae), Labcorp
Classification: Uncertain significance. Last evaluated: 2024-06-03. Review status: criteria provided, single submitter. Criteria: Invitae Variant Classification Sherloc (09022015). Collection method: clinical testing. Allele origin: germline.
Comment: This sequence change replaces proline, which is neutral and non-polar, with leucine, which is neutral and non-polar, at codon 516 of the CHD4 protein (p.Pro516Leu). This variant is present in population databases (rs754096136, gnomAD 0.009%). This variant has not been reported in the literature in individuals affected with CHD4-related conditions. ClinVar contains an entry for this variant (Variation ID: 2204650). Advanced modeling of protein sequence and biophysical properties (such as structural, functional, and spatial information, amino acid conservation, physicochemical variation, residue mobility, and thermodynamic stability) performed at Invitae indicates that this missense variant is not expected to disrupt CHD4 protein function with a negative predictive value of 80%. In summary, the available evidence is currently insufficient to determine the role of this variant in disease. Therefore, it has been classified as a Variant of Uncertain Significance.

Ambry Genetics
Classification: Uncertain significance for Inborn genetic diseases. Last evaluated: 2022-04-07. Review status: criteria provided, single submitter. Criteria: Ambry Variant Classification Scheme 2023. Collection method: clinical testing. Allele origin: germline.

NM_001273.5(CHD4):c.1547C>T (p.Pro516Leu)

Gene: CHD4 (chromodomain helicase DNA binding protein 4; minus strand). Cytogenetic location: 12p13.31.
Variant type: single nucleotide variant.
Coding change: c.1547C>T on transcript NM_001273.5 (MANE Select); coding-DNA position 1547, C replaced by T.
Protein change: p.Pro516Leu; replaces proline 516 with leucine.
Molecular consequence: missense variant.
Genome position (GRCh38, 1-based): chr12:6,598,361, G>A on the plus strand (C>T on the coding strand, the complement: CHD4 is on the minus strand). VCF-style: chr12-6598361-G-A. GRCh37 (hg19) VCF-style: chr12-6707527-G-A.
Other names: c.1526C>T, p.Pro509Leu (NM_001297553.2); c.1508C>T, p.Pro503Leu (NM_001363606.2); short protein forms P503L, P509L, P516L.
Identifiers: ClinVar variation 2204650 (VCV002204650.5), dbSNP rs754096136, ClinGen allele CA6412208.